The following is an entry in ClinVar:

NM_000059.4(BRCA2):c.8087_8088insATGTCTCTGAAATTTCATTTCA (p.Leu2696_Ser2697insCysLeuTer)

Gene: BRCA2 (BRCA2 DNA repair associated; plus strand). Cytogenetic location: 13q13.1.
Variant type: Insertion.
Coding change: c.8087_8088insATGTCTCTGAAATTTCATTTCA on transcript NM_000059.4 (MANE Select); coding-DNA positions 8087 to 8088, ATGTCTCTGAAATTTCATTTCA inserted.
Protein change: p.Leu2696_Ser2697insCysLeuTer.
Molecular consequence: nonsense, inframe insertion. On other transcripts: non-coding transcript variant (1).
Genome position: GRCh38 VCF-style: chr13-32363289-T-TATGTCTCTGAAATTTCATTTCA. GRCh37 (hg19) VCF-style: chr13-32937426-T-TATGTCTCTGAAATTTCATTTCA.
Other names: c.7991_7992insATGTCTCTGAAATTTCATTTCA, p.Leu2664_Ser2665insCysLeuTer (NM_001406719.1); c.8087_8088insATGTCTCTGAAATTTCATTTCA, p.Leu2696_Ser2697insCysLeuTer (NM_001406720.1, NM_001432077.1); c.3155_3156insATGTCTCTGAAATTTCATTTCA, p.Leu1052_Ser1053insCysLeuTer (NM_001406721.1); c.1670_1671insATGTCTCTGAAATTTCATTTCA, p.Leu557_Ser558insCysLeuTer (NM_001406722.1).
Identifiers: ClinVar variation 4724897 (VCV004724897.2).

ClinVar aggregate classification (germline): Pathogenic. Review status: criteria provided, multiple submitters, no conflicts (2 of 4 stars). 2 submissions from 2 submitters: Pathogenic (2). Last evaluated 2026-02-27.

Conditions:
Hereditary breast ovarian cancer syndrome. Also called: Hereditary breast and ovarian cancer syndrome; Hereditary breast and ovarian cancer; Hereditary breast and ovarian cancer syndrome (HBOC); Breast and ovarian cancer; Hereditary breast and/or ovarian cancer syndrome; BRCA1- and BRCA2-Associated Hereditary Breast and Ovarian Cancer. Identifiers: Orphanet 145, MedGen C0677776, MeSH D061325, MONDO:0003582. Disease mechanism: loss of function.
Hereditary cancer-predisposing syndrome. Also called: Neoplastic Syndromes, Hereditary; Tumor predisposition; Hereditary Cancer Syndrome; Hereditary neoplastic syndrome. Identifiers: Orphanet 140162, MedGen C0027672, MeSH D009386, MONDO:0015356.

Submissions (2):

Ambry Genetics
Classification: Pathogenic for Hereditary cancer-predisposing syndrome. Last evaluated: 2026-02-27. Review status: criteria provided, single submitter. Criteria: Ambry Variant Classification Scheme 2023. Collection method: clinical testing. Allele origin: germline.
Comment: The c.8087_8088ins22 variant, located in coding exon 17 of the BRCA2 gene, results from an insertion of 22 nucleotides at position 8087, causing a translational frameshift with a predicted alternate stop codon (p.S2697Cfs*3). This alteration is expected to result in loss of function by premature protein truncation or nonsense-mediated mRNA decay. As such, this alteration is interpreted as a disease-causing mutation.

Labcorp Genetics (formerly Invitae), Labcorp
Classification: Pathogenic for Hereditary breast ovarian cancer syndrome. Last evaluated: 2025-08-06. Review status: criteria provided, single submitter. Criteria: Invitae Variant Classification Sherloc (09022015). Collection method: clinical testing. Allele origin: germline.
Comment: This sequence change creates a premature translational stop signal (p.Ser2697delinsCysLeu*) in the BRCA2 gene. It is expected to result in an absent or disrupted protein product. Loss-of-function variants in BRCA2 are known to be pathogenic (PMID: 20104584). This variant is not present in population databases (gnomAD no frequency). This variant has not been reported in the literature in individuals affected with BRCA2-related conditions. For these reasons, this variant has been classified as Pathogenic.

Literature cited by the submitters: PubMed 20104584 (cited by Labcorp Genetics (formerly Invitae), Labcorp).